The following is an entry in ClinVar:

NM_017617.5(NOTCH1):c.2945ACA[1] (p.Asn983del)

Gene: NOTCH1 (notch receptor 1; minus strand). Cytogenetic location: 9q34.3.
Variant type: Microsatellite.
Coding change: c.2945ACA[1] on transcript NM_017617.5 (MANE Select); one copy of the 3-base unit ACA starting at c.2945; the reference has two copies in a row; one copy, 3 bases deleted.
Protein change: p.Asn983del; deletes asparagine 983.
Molecular consequence: inframe deletion.
Genome position (GRCh38, 1-based): chr9:136,509,752-136,509,754, TGT deleted on the plus strand (ACA on the coding strand, the reverse complement: NOTCH1 is on the minus strand); deleting any 3 consecutive bases within chr9:136,509,752-136,509,758 gives the same sequence; the position shown is the placement nearest the transcript's 3' end. VCF-style (leftmost placement, unchanged base first): chr9-136509751-GTGT-G. GRCh37 (hg19) VCF-style: chr9-139404203-GTGT-G.
Other names: short protein forms N983del.
Identifiers: ClinVar variation 4711709 (VCV004711709.1).

ClinVar aggregate classification (germline): Uncertain significance (1 of 4 stars; one submission).

Conditions:
Adams-Oliver syndrome 5 (AOS5). Identifiers: Orphanet 974, MedGen C4014970, MONDO:0014459, OMIM 616028.

Submission:

Labcorp Genetics (formerly Invitae), Labcorp
Classification: Uncertain significance for Adams-Oliver syndrome 5. Last evaluated: 2025-10-15. Review status: criteria provided, single submitter. Criteria: Invitae Variant Classification Sherloc (09022015). Collection method: clinical testing. Allele origin: germline.
Comment: This variant, c.2948_2950del, results in the deletion of 1 amino acid(s) of the NOTCH1 protein (p.Asn983del), but otherwise preserves the integrity of the reading frame. This variant is not present in population databases (gnomAD no frequency). This variant has not been reported in the literature in individuals affected with NOTCH1-related conditions. Experimental studies and prediction algorithms are not available or were not evaluated, and the functional significance of this variant is currently unknown. In summary, the available evidence is currently insufficient to determine the role of this variant in disease. Therefore, it has been classified as a Variant of Uncertain Significance.